The following is an entry in ClinVar:

NC_000005.9:g.(?_161381199)_(161531016_?)del

Gene: GABRG2 (gamma-aminobutyric acid type A receptor subunit gamma2; plus strand). Cytogenetic location: 5q34.
Variant type: Deletion.
Identifiers: ClinVar variation 3246368 (VCV003246368.1).

ClinVar aggregate classification (germline): Pathogenic (1 of 4 stars; one submission).

Conditions:
Febrile seizures, familial, 8 (FEB8). Also called: CONVULSIONS, FAMILIAL FEBRILE, 8. Identifiers: Orphanet 36387, MedGen C1969810, MONDO:0011891, OMIM 607681.
EPILEPSY, CHILDHOOD ABSENCE, SUSCEPTIBILITY TO, 2 (ECA2). Identifiers: Orphanet 64280, MedGen C1843244, OMIM 607681.

Submission:

Labcorp Genetics (formerly Invitae), Labcorp
Classification: Pathogenic for Febrile seizures, familial, 8; EPILEPSY, CHILDHOOD ABSENCE, SUSCEPTIBILITY TO, 2. Last evaluated: 2023-09-14. Review status: criteria provided, single submitter. Criteria: Invitae Variant Classification Sherloc (09022015). Collection method: clinical testing. Allele origin: unknown.
Comment: This variant results in the deletion of exons 1-5 and part of exon 6 (c.-113807_753delinsT) of the GABRG2 gene. It is expected to result in an absent or disrupted protein product. Loss-of-function variants in GABRG2 are known to be pathogenic (PMID: 22539854, 22750526, 24407264). This variant has not been reported in the literature in individuals affected with GABRG2-related conditions. For these reasons, this variant has been classified as Pathogenic.

Literature cited by the submitters: PubMed 22539854; PubMed 22750526; PubMed 24407264.